The following is an entry in ClinVar:

ClinVar aggregate classification (germline): Uncertain significance (1 of 4 stars; one submission).

Allele frequency attached by ClinVar (database versions not stated): gnomAD exomes 0.00001; TOPMed 0.00001; ExAC 0.00002.

Submission:

Women's Health and Genetics/Laboratory Corporation of America, LabCorp
Classification: Uncertain significance. Last evaluated: 2023-03-02. Review status: criteria provided, single submitter. Criteria: LabCorp Variant Classification Summary - May 2015. Collection method: clinical testing. Allele origin: germline.
Comment: Variant summary: HPS6 c.2229_2230delTG (p.Ala745SerfsX13) results in a premature termination codon, predicted to cause a truncation of the encoded protein, removing 18 amino acids. Another truncation within this region has been reported in an individual affected with Hermansky-Pudlak syndrome (PMID 31898847). The variant allele was found at a frequency of 3.6e-05 in 249148 control chromosomes. To our knowledge, no occurrence of c.2229_2230delTG in individuals affected with Hermansky-Pudlak Syndrome and no experimental evidence demonstrating its impact on protein function have been reported. No clinical diagnostic laboratories have submitted clinical-significance assessments for this variant to ClinVar after 2014. Based on the evidence outlined above, the variant was classified as uncertain significance.

NM_024747.6(HPS6):c.2229_2230del (p.Ala745fs)

Gene: HPS6 (HPS6 biogenesis of lysosomal organelles complex 2 subunit 3; plus strand). Cytogenetic location: 10q24.32.
Variant type: Deletion.
Coding change: c.2229_2230del on transcript NM_024747.6 (MANE Select); coding-DNA positions 2229 to 2230, 2 bases deleted (TG; older notation c.2229_2230delTG).
Protein change: p.Ala745fs; shifts the reading frame from alanine 745.
Molecular consequence: frameshift variant.
Genome position (GRCh38, 1-based): chr10:102,067,703-102,067,704, TG deleted. VCF-style (leftmost placement, unchanged base first): chr10-102067702-CTG-C. GRCh37 (hg19) VCF-style: chr10-103827459-CTG-C.
Other names: short protein forms A745fs.
Identifiers: ClinVar variation 2501254 (VCV002501254.1), dbSNP rs763698320, ClinGen allele CA5660136.